The following is an entry in ClinVar:

NM_000180.4(GUCY2D):c.1721G>A (p.Arg574His)

Gene: GUCY2D (guanylate cyclase 2D, retinal; plus strand). Cytogenetic location: 17p13.1.
Variant type: single nucleotide variant.
Coding change: c.1721G>A on transcript NM_000180.4 (MANE Select); coding-DNA position 1721, G replaced by A.
Protein change: p.Arg574His; replaces arginine 574 with histidine.
Molecular consequence: missense variant.
Genome position (GRCh38, 1-based): chr17:8,009,558, G>A. VCF-style: chr17-8009558-G-A. GRCh37 (hg19) VCF-style: chr17-7912876-G-A.
Other names: NM_000180.4(GUCY2D):c.1721G>A; p.Arg574His; c.1721G>A (NM_000180.3); short protein forms R574H.
Identifiers: ClinVar variation 493206 (VCV000493206.49), dbSNP rs560270873, ClinGen allele CA8365861.

ClinVar aggregate classification (germline): Likely benign. Review status: reviewed by expert panel (3 of 4 stars). 5 submissions from 5 submitters: Likely benign (1). 4 of the submissions do not count toward it. Last evaluated 2025-01-30.

Conditions:
GUCY2D-related disorder. Also called: GUCY2D-related condition.
Leber congenital amaurosis 1 (LCA1). Also called: Congenital absence of the rods and cones; Leber's congenital tapetoretinal degeneration; Leber's congenital tapetoretinal dysplasia; AMAUROSIS CONGENITA OF LEBER I; RETINAL BLINDNESS, CONGENITAL. Identifiers: Orphanet 65, MedGen C2931258, MONDO:0008764, OMIM 204000.
Cone-rod dystrophy 6 (CORD6). Also called: Cone dystrophy progressive; RETINAL CONE DYSTROPHY 2. Identifiers: Orphanet 1872, MedGen C1866293, MONDO:0011143, OMIM 601777.
GUCY2D-related recessive retinopathy. Also called: Recessive GUCY2D retinopathy. Identifiers: MedGen CN305603, MONDO:0100453.

Allele frequency attached by ClinVar (database versions not stated): gnomAD 0.00003; TOPMed 0.00003; gnomAD exomes 0.00004; ExAC 0.00007.
gnomAD v4.1: 96 of 1,613,430 alleles (0.006%); highest among the groups gnomAD compares: Non-Finnish European, 0.0075%; no homozygotes.

Submissions (5):

ClinGen Leber Congenital Amaurosis/early Onset Retinal Dystrophy Variant Curation Expert Panel, ClinGen
Classification: Likely benign for GUCY2D-related recessive retinopathy. Last evaluated: 2025-01-30. Review status: reviewed by expert panel. Criteria: ClinGen LCAeoRD ACMG Specifications GUCY2D V1.0.0. Collection method: curation. Allele origin: germline. Inheritance: Autosomal recessive inheritance.
Comment: The NM_000180.4(GUCY2D):c.1721G>A (p.Arg574His) variant is predicted to replace the arginine at position p.574 with histidine. The computational predictor REVEL gives a score of 0.182, which is below the ClinGen LCA / eoRD VCEP threshold of ≤0.183 and predicts a non-damaging effect on RETGC-1 protein function. In addition, the splicing impact predictor SpliceAI gives a delta score of 0.0, which is below the ClinGen LCA / eoRD VCEP recommended threshold of <0.1 and does not predict an impact on splicing (BP4_Moderate). This variant is present in gnomAD v4.1.0 at a total allele frequency of 0.00005950, with 96 alleles / 1,613,430 total alleles, which is lower than the ClinGen LCA/eoRD VCEP PM2_Supporting threshold of <0.0004 but is not considered due to the evidence supporting a benign classification. In summary, this variant meets the criteria to be classified as Likely Benign for GUCY2D-related recessive retinopathy based on the ACMG/AMP criteria applied, as specified by the ClinGen LCA/eoRD VCEP: BP4_Moderate. (VCEP specifications version 1.0.0; date of approval 01/22/2025).

Labcorp Genetics (formerly Invitae), Labcorp
Classification: Uncertain significance for Leber congenital amaurosis 1; Cone-rod dystrophy 6. Last evaluated: 2026-01-24. Review status: criteria provided, single submitter. Criteria: Invitae Variant Classification Sherloc (09022015). Collection method: clinical testing. Allele origin: germline. Not counted in ClinVar's aggregate classification.
Comment: This sequence change replaces arginine, which is basic and polar, with histidine, which is basic and polar, at codon 574 of the GUCY2D protein (p.Arg574His). This variant is present in population databases (rs560270873, gnomAD 0.007%). This missense change has been observed in individual(s) with Leber congenital amaurosis (PMID: 31816670). ClinVar contains an entry for this variant (Variation ID: 493206). Invitae Evidence Modeling of protein sequence and biophysical properties (such as structural, functional, and spatial information, amino acid conservation, physicochemical variation, residue mobility, and thermodynamic stability) indicates that this missense variant is not expected to disrupt GUCY2D protein function with a negative predictive value of 80%. In summary, the available evidence is currently insufficient to determine the role of this variant in disease. Therefore, it has been classified as a Variant of Uncertain Significance.

PreventionGenetics, part of Exact Sciences
Classification: Uncertain significance for GUCY2D-related condition. Last evaluated: 2025-09-22. Review status: criteria provided, single submitter. Criteria: ACMG Guidelines, 2015. Collection method: clinical testing. Allele origin: germline. Not counted in ClinVar's aggregate classification.
Comment: The GUCY2D c.1721G>A variant is predicted to result in the amino acid substitution p.Arg574His. This variant has been reported in an individual with retinal dystrophy (Table S1, Yohe et al. 2020. PubMed ID: 31816670); however, two other causative GUCY2D variants were also identified in this individual. This variant is reported in 0.0079% of alleles in individuals of European (Non-Finnish) descent in gnomAD. A different variant at the same amino acid position, c.1720C>T, p.(Arg574Cys), has also been reported in individuals with Usher syndrome or keratoconus (Song et al. 2011. PubMed ID: 22025579; González-Atienza et al. 2023. PubMed ID: 37895187). The p.Arg574His variant is interpreted as likely benign by the ClinGen Leber Congenital Amaurosis/early Onset Retinal Dystrophy Variant Curation Expert Panel in ClinVar (ClinVar ID: 493206). Although we suspect that this variant may be benign, at this time, the clinical significance of this variant is uncertain due to the absence of conclusive functional and genetic evidence.

CeGaT Center for Human Genetics Tuebingen
Classification: Uncertain significance. Last evaluated: 2025-03-01. Review status: criteria provided, single submitter. Criteria: CeGaT Center For Human Genetics Tuebingen Variant Classification Criteria Version 2. Collection method: clinical testing. Allele origin: germline. Affected: yes. Observed: 2 variant alleles. Not counted in ClinVar's aggregate classification.
Comment: GUCY2D: PM2, BP4

Blueprint Genetics
Classification: Uncertain significance. Last evaluated: 2023-05-05. Review status: criteria provided, single submitter. Criteria: ACMG Guidelines, 2015. Collection method: clinical testing. Allele origin: germline. Not counted in ClinVar's aggregate classification.

Literature cited by the submitters: PubMed 31816670 (cited by Labcorp Genetics (formerly Invitae), Labcorp).